The following is an entry in ClinVar:

NM_007254.4(PNKP):c.808C>T (p.Gln270Ter)

Gene: PNKP (polynucleotide kinase 3'-phosphatase; minus strand). Cytogenetic location: 19q13.33.
Variant type: single nucleotide variant.
Coding change: c.808C>T on transcript NM_007254.4 (MANE Select); coding-DNA position 808, C replaced by T.
Protein change: p.Gln270Ter; replaces glutamine 270 with a stop codon.
Molecular consequence: nonsense.
Genome position (GRCh38, 1-based): chr19:49,863,697, G>A on the plus strand (C>T on the coding strand, the complement: PNKP is on the minus strand). VCF-style: chr19-49863697-G-A. GRCh37 (hg19) VCF-style: chr19-50366954-G-A.
Other names: short protein forms Q270*.
Identifiers: ClinVar variation 1419965 (VCV001419965.6), dbSNP rs965965834, ClinGen allele CA309496216.

ClinVar aggregate classification (germline): Pathogenic (1 of 4 stars; one submission).

Conditions:
Developmental and epileptic encephalopathy, 12 (DEE12). Identifiers: MedGen C3150988, MONDO:0013389, OMIM 613722.

Allele frequency attached by ClinVar (database versions not stated): TOPMed 0.00001.

Submission:

Labcorp Genetics (formerly Invitae), Labcorp
Classification: Pathogenic for Developmental and epileptic encephalopathy, 12. Last evaluated: 2021-03-20. Review status: criteria provided, single submitter. Criteria: Invitae Variant Classification Sherloc (09022015). Collection method: clinical testing. Allele origin: germline.
Comment: This variant has not been reported in the literature in individuals with PNKP-related conditions. For these reasons, this variant has been classified as Pathogenic. This variant is not present in population databases (ExAC no frequency). This sequence change creates a premature translational stop signal (p.Gln270*) in the PNKP gene. It is expected to result in an absent or disrupted protein product. Loss-of-function variants in PNKP are known to be pathogenic (PMID: 20118933, 25728773).

Literature cited by the submitters: PubMed 20118933; PubMed 25728773.